The following is an entry in ClinVar:

NM_001848.3(COL6A1):c.2298A>G (p.Ser766=)

Gene: COL6A1 (collagen type VI alpha 1 chain; plus strand). Cytogenetic location: 21q22.3.
Variant type: single nucleotide variant.
Coding change: c.2298A>G on transcript NM_001848.3 (MANE Select); coding-DNA position 2298, A replaced by G.
Protein change: p.Ser766=; no amino-acid change (serine 766 retained).
Molecular consequence: synonymous variant.
Genome position (GRCh38, 1-based): chr21:46,002,574, A>G. VCF-style: chr21-46002574-A-G. GRCh37 (hg19) VCF-style: chr21-47422488-A-G.
Identifiers: ClinVar variation 515532 (VCV000515532.9), dbSNP rs761665024, ClinGen allele CA10070839.

ClinVar aggregate classification (germline): Likely benign. Review status: criteria provided, multiple submitters, no conflicts (2 of 4 stars). 2 submissions from 2 submitters: Likely benign (2). Last evaluated 2022-06-04.

Conditions:
Bethlem myopathy 1A. Also called: MYOPATHY, BENIGN CONGENITAL, WITH CONTRACTURES; Bethlem myopathy 1; Bethlem Muscular Dystrophy. Identifiers: Orphanet 610, MedGen CN029274, MONDO:0024530, OMIM 158810.

Allele frequency attached by ClinVar (database versions not stated): gnomAD exomes below 0.00001 and 0.00001; ExAC 0.00001.
gnomAD v4.1: 5 of 1,614,164 alleles (0.00031%); highest among the groups gnomAD compares: Non-Finnish European, 0.00042%; no homozygotes.

Submissions (2):

Labcorp Genetics (formerly Invitae), Labcorp
Classification: Likely benign for Bethlem myopathy 1A. Last evaluated: 2022-06-04. Review status: criteria provided, single submitter. Criteria: Invitae Variant Classification Sherloc (09022015). Collection method: clinical testing. Allele origin: germline.

GeneDx
Classification: Likely benign. Last evaluated: 2018-02-20. Review status: criteria provided, single submitter. Criteria: GeneDx Variant Classification (06012015). Collection method: clinical testing. Allele origin: germline. Affected: yes.
Comment: This variant is considered likely benign or benign based on one or more of the following criteria: it is a conservative change, it occurs at a poorly conserved position in the protein, it is predicted to be benign by multiple in silico algorithms, and/or has population frequency not consistent with disease.